The following is an entry in ClinVar:

NM_007194.4(CHEK2):c.670A>C (p.Lys224Gln)

Gene: CHEK2 (checkpoint kinase 2; minus strand). Cytogenetic location: 22q12.1.
Variant type: single nucleotide variant.
Coding change: c.670A>C on transcript NM_007194.4 (MANE Select); coding-DNA position 670, A replaced by C.
Protein change: p.Lys224Gln; replaces lysine 224 with glutamine.
Molecular consequence: missense variant. On other transcripts: intron variant (1).
Genome position (GRCh38, 1-based): chr22:28,719,408, T>G on the plus strand (A>C on the coding strand, the complement: CHEK2 is on the minus strand). VCF-style: chr22-28719408-T-G. GRCh37 (hg19) VCF-style: chr22-29115396-T-G.
Other names: c.799A>C, p.Lys267Gln (NM_001005735.3, NM_001438294.1); c.7A>C, p.Lys3Gln (NM_001257387.3, NM_001437942.1); c.763A>C, p.Lys255Gln (NM_001438293.1, NM_001438295.1); c.670A>C, p.Lys224Gln (NM_145862.3); c.482+5478A>C (NM_001349956.3); short protein forms K3Q, K267Q, K224Q, K255Q.
Identifiers: ClinVar variation 1755028 (VCV001755028.2), dbSNP rs2146004927, ClinGen allele CA411104881.

ClinVar aggregate classification (germline): Uncertain significance (1 of 4 stars; one submission).

Conditions:
Hereditary cancer-predisposing syndrome. Also called: Neoplastic Syndromes, Hereditary; Tumor predisposition; Hereditary Cancer Syndrome; Hereditary neoplastic syndrome. Identifiers: Orphanet 140162, MedGen C0027672, MeSH D009386, MONDO:0015356.

Submission:

Ambry Genetics
Classification: Uncertain significance for Hereditary cancer-predisposing syndrome. Last evaluated: 2021-02-04. Review status: criteria provided, single submitter. Criteria: Ambry Variant Classification Scheme 2023. Collection method: clinical testing. Allele origin: germline.
Comment: The p.K224Q variant (also known as c.670A>C), located in coding exon 4 of the CHEK2 gene, results from an A to C substitution at nucleotide position 670. The lysine at codon 224 is replaced by glutamine, an amino acid with similar properties. This amino acid position is well conserved in available vertebrate species. In addition, the in silico prediction for this alteration is inconclusive. Since supporting evidence is limited at this time, the clinical significance of this alteration remains unclear.